The following is an entry in ClinVar:

NM_000059.4(BRCA2):c.8562T>G (p.Tyr2854Ter)

Gene: BRCA2 (BRCA2 DNA repair associated; plus strand). Cytogenetic location: 13q13.1.
Variant type: single nucleotide variant.
Coding change: c.8562T>G on transcript NM_000059.4 (MANE Select); coding-DNA position 8562, T replaced by G.
Protein change: p.Tyr2854Ter; replaces tyrosine 2854 with a stop codon.
Molecular consequence: nonsense.
Genome position (GRCh38, 1-based): chr13:32,371,030, T>G. VCF-style: chr13-32371030-T-G. GRCh37 (hg19) VCF-style: chr13-32945167-T-G.
Other names: short protein forms Y2854*.
Identifiers: ClinVar variation 619820 (VCV000619820.14), dbSNP rs786201333, ClinGen allele CA387752803.

ClinVar aggregate classification (germline): Pathogenic/Likely pathogenic. Review status: criteria provided, multiple submitters, no conflicts (2 of 4 stars). 3 submissions from 3 submitters: Pathogenic (2); Likely pathogenic (1). Last evaluated 2026-01-29.

Conditions:
Hereditary breast ovarian cancer syndrome. Also called: Hereditary breast and/or ovarian cancer syndrome; Breast and ovarian cancer; Hereditary breast and ovarian cancer; Hereditary breast and ovarian cancer syndrome (HBOC); Hereditary breast and ovarian cancer syndrome; BRCA1- and BRCA2-Associated Hereditary Breast and Ovarian Cancer. Identifiers: Orphanet 145, MedGen C0677776, MeSH D061325, MONDO:0003582. Disease mechanism: loss of function.
Hereditary cancer-predisposing syndrome. Also called: Neoplastic Syndromes, Hereditary; Hereditary neoplastic syndrome; Tumor predisposition; Hereditary Cancer Syndrome. Identifiers: Orphanet 140162, MedGen C0027672, MeSH D009386, MONDO:0015356.

Submissions (3):

Ambry Genetics
Classification: Pathogenic for Hereditary cancer-predisposing syndrome. Last evaluated: 2026-01-29. Review status: criteria provided, single submitter. Criteria: Ambry Variant Classification Scheme 2023. Collection method: clinical testing. Allele origin: germline.
Comment: The p.Y2854* pathogenic mutation (also known as c.8562T>G), located in coding exon 19 of the BRCA2 gene, results from a T to G substitution at nucleotide position 8562. This changes the amino acid from a tyrosine to a stop codon within coding exon 19. This variant is considered to be rare based on population cohorts in the Genome Aggregation Database (gnomAD). This alteration is expected to result in loss of function by premature protein truncation or nonsense-mediated mRNA decay. As such, this alteration is interpreted as a disease-causing mutation.

Labcorp Genetics (formerly Invitae), Labcorp
Classification: Pathogenic for Hereditary breast ovarian cancer syndrome. Last evaluated: 2023-09-27. Review status: criteria provided, single submitter. Criteria: Invitae Variant Classification Sherloc (09022015). Collection method: clinical testing. Allele origin: germline.
Comment: For these reasons, this variant has been classified as Pathogenic. ClinVar contains an entry for this variant (Variation ID: 619820). This variant has not been reported in the literature in individuals affected with BRCA2-related conditions. This variant is not present in population databases (gnomAD no frequency). This sequence change creates a premature translational stop signal (p.Tyr2854*) in the BRCA2 gene. It is expected to result in an absent or disrupted protein product. Loss-of-function variants in BRCA2 are known to be pathogenic (PMID: 20104584).

Quest Diagnostics Nichols Institute San Juan Capistrano
Classification: Likely pathogenic. Last evaluated: 2017-11-14. Review status: criteria provided, single submitter. Criteria: Quest Diagnostics criteria. Collection method: clinical testing. Allele origin: germline.

Literature cited by the submitters: PubMed 20104584 (cited by Labcorp Genetics (formerly Invitae), Labcorp).